The following is an entry in ClinVar:

ClinVar aggregate classification (germline): Likely benign (1 of 4 stars; one submission).

gnomAD v4.1: 199 of 1,611,480 alleles (0.012%); highest among the groups gnomAD compares: Non-Finnish European, 0.015%; no homozygotes.

Submission:

Mayo Clinic Laboratories, Mayo Clinic
Classification: Likely benign. Last evaluated: 2025-08-20. Review status: criteria provided, single submitter. Criteria: ACMG Guidelines, 2015. Collection method: clinical testing. Allele origin: germline. Observed: 1 variant allele.
Comment: BP4, BP7

NM_000298.6(PKLR):c.1437-19C>A

Gene: PKLR (pyruvate kinase L/R; minus strand). Cytogenetic location: 1q22.
Variant type: single nucleotide variant.
Coding change: c.1437-19C>A on transcript NM_000298.6 (MANE Select); 19 bases into the intron before coding-DNA position 1437, C replaced by A.
Molecular consequence: intron variant.
Genome position (GRCh38, 1-based): chr1:155,291,956, G>T on the plus strand (C>A on the coding strand, the complement: PKLR is on the minus strand). VCF-style: chr1-155291956-G-T. GRCh37 (hg19) VCF-style: chr1-155261747-G-T.
Other names: p.?; c.1344-19C>A (NM_181871.4).
Identifiers: ClinVar variation 4683493 (VCV004683493.1).
Genomic context (GRCh38, chr1:155,291,956, plus strand): 5'-ACTGCTGCCCGAGGTCGGTACCGAGACAGAAGCTGGGCTGAGCTGGAGGAGGCAGAGAAG[G>T]TCAGCCCAGAACAGCAAGAAAGTGGTGAACGAGGAAAGGAGAATCTTTGTTCCAGTTCCA-3'